The following is an entry in ClinVar:

ClinVar aggregate classification (germline): Uncertain significance (1 of 4 stars; one submission).

Conditions:
Hyperaldosteronism, familial, type IV (HALD4). Also called: FH IV; ALDOSTERONISM, PRIMARY, AND HYPERTENSION. Identifiers: Orphanet 642671, MedGen C4310756, MONDO:0014875, OMIM 617027.
Idiopathic generalized epilepsy. Also called: EIG; Generalised epilepsy. Identifiers: MedGen C0270850, MONDO:0005579, OMIM 600669.

Allele frequency attached by ClinVar (database versions not stated): gnomAD 0.00001; gnomAD exomes 0.00001; TOPMed 0.00001; ExAC 0.00004.
gnomAD v4.1: 14 of 1,556,786 alleles (0.0009%); highest among the groups gnomAD compares: Non-Finnish European, 0.0012%; no homozygotes.

Submission:

Labcorp Genetics (formerly Invitae), Labcorp
Classification: Uncertain significance for Idiopathic generalized epilepsy; Hyperaldosteronism, familial, type IV. Last evaluated: 2023-08-05. Review status: criteria provided, single submitter. Criteria: Invitae Variant Classification Sherloc (09022015). Collection method: clinical testing. Allele origin: germline.
Comment: In summary, the available evidence is currently insufficient to determine the role of this variant in disease. Therefore, it has been classified as a Variant of Uncertain Significance. Experimental studies have shown that this missense change does not substantially affect CACNA1H function (PMID: 33478561). Advanced modeling of protein sequence and biophysical properties (such as structural, functional, and spatial information, amino acid conservation, physicochemical variation, residue mobility, and thermodynamic stability) performed at Invitae indicates that this missense variant is not expected to disrupt CACNA1H protein function. This variant has not been reported in the literature in individuals affected with CACNA1H-related conditions. This variant is present in population databases (rs781249124, gnomAD 0.005%). This sequence change replaces glutamic acid, which is acidic and polar, with lysine, which is basic and polar, at codon 1881 of the CACNA1H protein (p.Glu1881Lys).

Literature cited by the submitters: PubMed 33478561.

NM_021098.3(CACNA1H):c.5641G>A (p.Glu1881Lys)

Gene: CACNA1H (calcium voltage-gated channel subunit alpha1 H; plus strand). Cytogenetic location: 16p13.3.
Variant type: single nucleotide variant.
Coding change: c.5641G>A on transcript NM_021098.3 (MANE Select); coding-DNA position 5641, G replaced by A.
Protein change: p.Glu1881Lys; replaces glutamic acid 1881 with lysine.
Molecular consequence: missense variant.
Genome position (GRCh38, 1-based): chr16:1,218,405, G>A. VCF-style: chr16-1218405-G-A. GRCh37 (hg19) VCF-style: chr16-1268405-G-A.
Other names: c.5623G>A, p.Glu1875Lys (NM_001005407.2); short protein forms E1875K, E1881K.
Identifiers: ClinVar variation 2948123 (VCV002948123.3), dbSNP rs781249124, ClinGen allele CA7802086.